The following is an entry in ClinVar:

NM_002693.3(POLG):c.2157+15G>A

Gene: POLG (DNA polymerase gamma, catalytic subunit; minus strand). Cytogenetic location: 15q26.1.
Variant type: single nucleotide variant.
Coding change: c.2157+15G>A on transcript NM_002693.3 (MANE Select); 15 bases into the intron after coding-DNA position 2157, G replaced by A.
Molecular consequence: intron variant.
Genome position (GRCh38, 1-based): chr15:89,323,800, C>T on the plus strand (G>A on the coding strand, the complement: POLG is on the minus strand). VCF-style: chr15-89323800-C-T. GRCh37 (hg19) VCF-style: chr15-89867031-C-T.
Other names: c.2157+15G>A (NM_001126131.2).
Identifiers: ClinVar variation 317329 (VCV000317329.12), dbSNP rs766521182, ClinGen allele CA7724574.

ClinVar aggregate classification (germline): Conflicting classifications of pathogenicity. Review status: criteria provided, conflicting classifications (1 of 4 stars). 4 submissions from 4 submitters: Uncertain significance (1); Benign (1); Likely benign (2). Last evaluated 2025-11-05.

Conditions:
POLG-related disorder. Also called: POLG-Related Spectrum Disorders; POLG-related condition; POLG-Related Disorders. Identifiers: MedGen C4763519.
Progressive sclerosing poliodystrophy (MTDPS4A). Also called: Mitochondrial DNA Depletion Syndrome 4A; Alpers-Huttenlocher Syndrome (AHS); ALPERS PROGRESSIVE INFANTILE POLIODYSTROPHY; NEURONAL DEGENERATION OF CHILDHOOD WITH LIVER DISEASE, PROGRESSIVE; Mitochondrial DNA depletion syndrome 4A (Alpers type); Alpers Syndrome. Identifiers: Orphanet 726, MedGen C0205710, MONDO:0008758, OMIM 203700.

Allele frequency attached by ClinVar (database versions not stated): ExAC 0.00002; gnomAD exomes 0.00002 and 0.00004; gnomAD 0.00007 and 0.00008; TOPMed 0.00011.
gnomAD v4.1: 77 of 1,607,796 alleles (0.0048%); highest among the groups gnomAD compares: African/African-American, 0.0067%; no homozygotes.

Submissions (4):

Labcorp Genetics (formerly Invitae), Labcorp
Classification: Likely benign for Progressive sclerosing poliodystrophy. Last evaluated: 2025-11-05. Review status: criteria provided, single submitter. Criteria: Invitae Variant Classification Sherloc (09022015). Collection method: clinical testing. Allele origin: germline.

Wong Mito Lab, Molecular and Human Genetics, Baylor College of Medicine
Classification: Likely benign for Progressive sclerosing poliodystrophy. Last evaluated: 2018-10-01. Review status: criteria provided, single submitter. Criteria: ACMG Guidelines, 2015. Collection method: clinical testing. Allele origin: germline.
Comment: The NM_002693.2:c.2157+15G>A (NP_002684.1:p.=) [GRCH38: NC_000015.10:g.89323800C>T] variant in POLG gene is interpretated to be a Likely Benign based on ACMG guidelines (PMID: 25741868). This variant meets the following evidence codes reported in the ACMG-guideline. BP4:Computational evidence/predictors indicate no impact on the POLG structure, function, or protein-protein interaction. BP6:Reputable source(s) without shared data suggest the variant is benign. Based on the evidence criteria codes applied, the variant is suggested to be Likely Benign.

Illumina Laboratory Services, Illumina
Classification: Uncertain significance for POLG-Related Spectrum Disorders. Last evaluated: 2018-01-13. Review status: criteria provided, single submitter. Criteria: ICSL Variant Classification Criteria 13 December 2019. Collection method: clinical testing. Allele origin: germline.

GeneDx
Classification: Benign. Last evaluated: 2015-06-18. Review status: criteria provided, single submitter. Criteria: GeneDx Variant Classification (06012015). Collection method: clinical testing. Allele origin: germline. Affected: yes.
Comment: This variant is considered likely benign or benign based on one or more of the following criteria: it is a conservative change, it occurs at a poorly conserved position in the protein, it is predicted to be benign by multiple in silico algorithms, and/or has population frequency not consistent with disease.